The following is an entry in ClinVar:

NM_201384.3(PLEC):c.4644G>A (p.Ala1548=)

Gene: PLEC (plectin; minus strand). Cytogenetic location: 8q24.3.
Variant type: single nucleotide variant.
Coding change: c.4644G>A on transcript NM_201384.3 (MANE Select); coding-DNA position 4644, G replaced by A.
Protein change: p.Ala1548=; no amino-acid change (alanine 1548 retained).
Molecular consequence: synonymous variant.
Genome position (GRCh38, 1-based): chr8:143,925,285, C>T on the plus strand (G>A on the coding strand, the complement: PLEC is on the minus strand). VCF-style: chr8-143925285-C-T. GRCh37 (hg19) VCF-style: chr8-144999453-C-T.
Other names: p.Ala1534=; c.4725G>A, p.Ala1575= (NM_000445.5); c.4602G>A, p.Ala1534= (NM_201378.4); c.4578G>A, p.Ala1526= (NM_201379.3); c.5055G>A, p.Ala1685= (NM_201380.4); c.4548G>A, p.Ala1516= (NM_201381.3); c.4644G>A, p.Ala1548= (NM_201382.4); c.4656G>A, p.Ala1552= (NM_201383.3).
Identifiers: ClinVar variation 93055 (VCV000093055.24), dbSNP rs62642470, ClinGen allele CA146401.
Genomic context (GRCh38, chr8:143,925,285, plus strand): 5'-CTCCAGGGCCACCTGTACCTGCCGCGCTCGCTCCACCTCGGCCTGCCGCAGGCGCCGCTC[C>T]GCCTCCTCCGCCTGCAGCCGCAGCTCCTCCAGGGCCTGCAGGGCCCGCTGCTTCTCGCGC-3'
Protein context (NP_958786.1, residues 1538-1558): LEELRLQAEE[Ala1548=]ERRLRQAEVE

ClinVar aggregate classification (germline): Benign/Likely benign. Review status: criteria provided, multiple submitters, no conflicts (2 of 4 stars). 7 submissions from 7 submitters: Benign (4); Likely benign (2). 1 of the submissions does not count toward it. Last evaluated 2026-02-03.

Conditions:
Epidermolysis bullosa simplex, Ogna type (EBS5A). Also called: Pidermolysis bullosa simplex 5A, Ogna type; EPIDERMOLYSIS BULLOSA SIMPLEX 5A, OGNA TYPE. Identifiers: Orphanet 79401, MedGen C0432317, MONDO:0007555, OMIM 131950.
Autosomal recessive limb-girdle muscular dystrophy type 2Q (LGMDR17). Also called: MUSCULAR DYSTROPHY, LIMB-GIRDLE, AUTOSOMAL RECESSIVE 17. Identifiers: Orphanet 254361, MedGen C3150989, MONDO:0013390, OMIM 613723.
Epidermolysis bullosa simplex 5C, with pyloric atresia (EBS5C). Also called: PLEC-Related Epidermolysis Bullosa with Pyloric Atresia; Epidermolysis bullosa simplex with pyloric atresia; PLEC1-Related Epidermolysis Bullosa with Pyloric Atresia. Identifiers: Orphanet 158684, MedGen C2677349, MONDO:0012807, OMIM 612138.
Epidermolysis bullosa simplex with nail dystrophy (EBS5D). Identifiers: MedGen C4225309, MONDO:0014661, OMIM 616487.
Epidermolysis bullosa simplex 5B, with muscular dystrophy (EBS5B). Also called: EPIDERMOLYSIS BULLOSA SIMPLEX AND LIMB-GIRDLE MUSCULAR DYSTROPHY; Epidermolysis bullosa simplex with muscular dystrophy. Identifiers: Orphanet 257, MedGen C2931072, MONDO:0009181, OMIM 226670.

Allele frequency attached by ClinVar (database versions not stated): gnomAD exomes 0.01672; ExAC 0.02492; ESP Exome Variant Server 0.04861; gnomAD 0.06097 and 0.06519; 1000 Genomes Project 0.06929; TOPMed 0.06962; 1000 Genomes Project 30x 0.07495.
gnomAD v4.1: 19,493 of 1,576,338 alleles (1.2%); highest among the groups gnomAD compares: African/African-American, 21%; 1,690 homozygotes.

Submissions (7):

Labcorp Genetics (formerly Invitae), Labcorp
Classification: Benign for Autosomal recessive limb-girdle muscular dystrophy type 2Q; Epidermolysis bullosa simplex, Ogna type; Epidermolysis bullosa simplex with nail dystrophy; Epidermolysis bullosa simplex 5C, with pyloric atresia; Epidermolysis bullosa simplex 5B, with muscular dystrophy. Last evaluated: 2026-02-03. Review status: criteria provided, single submitter. Criteria: Invitae Variant Classification Sherloc (09022015). Collection method: clinical testing. Allele origin: germline.

Mayo Clinic Laboratories, Mayo Clinic
Classification: Benign. Last evaluated: 2018-02-20. Review status: criteria provided, single submitter. Criteria: ACMG Guidelines, 2015. Collection method: clinical testing. Allele origin: germline. Observed: 66 variant alleles.

GeneDx
Classification: Benign. Last evaluated: 2015-03-03. Review status: criteria provided, single submitter. Criteria: GeneDx Variant Classification Process June 2021. Collection method: clinical testing. Allele origin: germline. Affected: yes.

Eurofins Ntd Llc (ga)
Classification: Benign. Last evaluated: 2013-04-26. Review status: criteria provided, single submitter. Criteria: EGL Classification Definitions 2015. Collection method: clinical testing. Allele origin: germline. Observed: 7 variant alleles, 6 heterozygotes, 1 homozygote.

Breakthrough Genomics
Classification: Likely benign. Review status: criteria provided, single submitter. Criteria: ACMG Guidelines, 2015. Collection method: not provided. Allele origin: germline. Inheritance: Autosomal recessive inheritance. Affected: yes.

PreventionGenetics, part of Exact Sciences
Classification: Likely benign. Review status: criteria provided, single submitter. Criteria: ACMG Guidelines, 2015. Collection method: clinical testing. Allele origin: germline.

Genetic Services Laboratory, University of Chicago
Classification: Likely benign for AllHighlyPenetrant. Review status: no assertion criteria provided. Collection method: clinical testing. Allele origin: germline. Inheritance: Autosomal recessive inheritance. Not counted in ClinVar's aggregate classification.
Comment: Likely benign based on allele frequency in 1000 Genomes Project or ESP global frequency and its presence in a patient with a rare or unrelated disease phenotype. NOT Sanger confirmed.